The following is an entry in ClinVar:

NM_006073.4(TRDN):c.23-228A>C

Gene: TRDN (triadin; minus strand). Cytogenetic location: 6q22.31.
Variant type: single nucleotide variant.
Coding change: c.23-228A>C on transcript NM_006073.4 (MANE Select); 228 bases into the intron before coding-DNA position 23, A replaced by C.
Molecular consequence: intron variant.
Genome position (GRCh38, 1-based): chr6:123,571,360, T>G on the plus strand (A>C on the coding strand, the complement: TRDN is on the minus strand). VCF-style: chr6-123571360-T-G. GRCh37 (hg19) VCF-style: chr6-123892505-T-G.
Other names: c.23-228A>C (NM_001251987.2, NM_001256020.2, NM_001256021.2 and 1 more transcripts).
Identifiers: ClinVar variation 678653 (VCV000678653.1), dbSNP rs78138459, ClinGen allele CA12334565.

ClinVar aggregate classification (germline): Benign (1 of 4 stars; one submission).

Allele frequency attached by ClinVar (database versions not stated): 1000 Genomes Project 30x 0.02748; 1000 Genomes Project 0.02835; gnomAD 0.03847 and 0.03905; TOPMed 0.04025.
gnomAD v4.1: 5,954 of 152,248 alleles (3.9%); highest among the groups gnomAD compares: Middle Eastern, 8.5%; 185 homozygotes.

Submission:

GeneDx
Classification: Benign. Last evaluated: 2018-06-14. Review status: criteria provided, single submitter. Criteria: GeneDx Variant Classification (06012015). Collection method: clinical testing. Allele origin: germline. Affected: yes.
Comment: This variant is considered likely benign or benign based on one or more of the following criteria: it is a conservative change, it occurs at a poorly conserved position in the protein, it is predicted to be benign by multiple in silico algorithms, and/or has population frequency not consistent with disease.